The following is an entry in ClinVar:

ClinVar aggregate classification (germline): Uncertain significance (1 of 4 stars; one submission).

Conditions:
Inborn genetic diseases. Identifiers: MedGen C0950123, MeSH D030342.

Allele frequency attached by ClinVar (database versions not stated): gnomAD exomes below 0.00001.
gnomAD v4.1: 1 of 1,614,142 alleles (0.000062%); highest among the groups gnomAD compares: Non-Finnish European, 0.000085%; no homozygotes.

Submission:

Ambry Genetics
Classification: Uncertain significance for Inborn genetic diseases. Last evaluated: 2021-04-01. Review status: criteria provided, single submitter. Criteria: Ambry Variant Classification Scheme 2023. Collection method: clinical testing. Allele origin: germline.
Comment: The c.2538G>A (p.K846K) alteration is located in exon 8 (coding exon 8) of the DYNC1H1 gene. This alteration consists of a G to A substitution at nucleotide position 2538. This nucleotide substitution does not change the amino acid at codon 846. However, this change occurs in the last nucleotide of Exon 8 (c.1462_2538) which makes it likely to have some effect on normal mRNA splicing. Based on insufficient or conflicting evidence, the clinical significance of this alteration remains unclear.

NM_001376.5(DYNC1H1):c.2538G>A (p.Lys846=)

Gene: DYNC1H1 (dynein cytoplasmic 1 heavy chain 1; plus strand). Cytogenetic location: 14q32.31.
Variant type: single nucleotide variant.
Coding change: c.2538G>A on transcript NM_001376.5 (MANE Select); coding-DNA position 2538, G replaced by A.
Protein change: p.Lys846=; no amino-acid change (lysine 846 retained).
Molecular consequence: synonymous variant.
Genome position (GRCh38, 1-based): chr14:101,986,763, G>A. VCF-style: chr14-101986763-G-A. GRCh37 (hg19) VCF-style: chr14-102453100-G-A.
Identifiers: ClinVar variation 3086433 (VCV003086433.1), dbSNP rs2503696669, ClinGen allele CA488183291.
Genomic context (GRCh38, chr14:101,986,763, plus strand): 5'-CTACAAACTTGACCCATATGTACAGCGCTTAGCAGAGACTGTCTTCAACTTCCAAGAAAA[G>A]GTATGCTCTCATGTAATCCTCAGGTGTCCTGGTAACGAATGAAGCACAGTAATAGCGAGC-3'
Protein context (NP_001367.2, residues 836-856): LAETVFNFQE[Lys846=]VDDLLIIEEK